The following is an entry in ClinVar:

NR_131091.3(C5orf58):n.904C>T

Genes: C5orf58 (chromosome 5 open reading frame 58; plus strand), LCP2 (lymphocyte cytosolic protein 2; minus strand). Cytogenetic location: 5q35.1.
Variant type: single nucleotide variant.
Molecular consequence: intron variant (on NM_005565.5). On other transcripts: non-coding transcript variant (2).
Genome position: GRCh38 VCF-style: chr5-170252350-C-T. GRCh37 (hg19) VCF-style: chr5-169679354-C-T.
Other names: c.1323+84G>A (NM_005565.5).
Identifiers: ClinVar variation 2688122 (VCV002688122.2), dbSNP rs1546451, ClinGen allele CA15376258.

ClinVar aggregate classification (germline): Benign (1 of 4 stars; one submission).

Allele frequency attached by ClinVar (database versions not stated): 1000 Genomes Project 30x 0.40365; 1000 Genomes Project 0.40954; TOPMed 0.42973; gnomAD 0.43192; gnomAD exomes 0.49681.
gnomAD v4.1: 354,460 of 733,698 alleles (48%); highest among the groups gnomAD compares: South Asian, 53%; 88,359 homozygotes.

Submission:

Unidad de Genómica Garrahan, Hospital de Pediatría Garrahan
Classification: Benign. Last evaluated: 2024-01-24. Review status: criteria provided, single submitter. Criteria: ACMG Guidelines, 2015. Collection method: clinical testing. Allele origin: germline. Affected: no. Observed: 48 variant alleles.
Comment: This variant is classified as Benign based on local population frequency. This variant was detected in 51% of patients studied by a panel of primary immunodeficiencies. Number of patients: 48. Only high quality variants are reported.